The following is an entry in ClinVar:

NM_003000.3(SDHB):c.695C>A (p.Ala232Asp)

Gene: SDHB (succinate dehydrogenase complex iron sulfur subunit B; minus strand). Cytogenetic location: 1p36.13.
Variant type: single nucleotide variant.
Coding change: c.695C>A on transcript NM_003000.3 (MANE Select); coding-DNA position 695, C replaced by A.
Protein change: p.Ala232Asp; replaces alanine 232 with aspartic acid.
Molecular consequence: missense variant.
Genome position (GRCh38, 1-based): chr1:17,022,678, G>T on the plus strand (C>A on the coding strand, the complement: SDHB is on the minus strand). VCF-style: chr1-17022678-G-T. GRCh37 (hg19) VCF-style: chr1-17349173-G-T.
Other names: c.641C>A, p.Ala214Asp (NM_001407361.1); short protein forms A232D, A214D.
Identifiers: ClinVar variation 4161254 (VCV004161254.1).

ClinVar aggregate classification (germline): Uncertain significance (1 of 4 stars; one submission).

Conditions:
Hereditary cancer-predisposing syndrome. Also called: Neoplastic Syndromes, Hereditary; Tumor predisposition; Hereditary Cancer Syndrome; Hereditary neoplastic syndrome. Identifiers: Orphanet 140162, MedGen C0027672, MeSH D009386, MONDO:0015356.

Submission:

Ambry Genetics
Classification: Uncertain significance for Hereditary cancer-predisposing syndrome. Last evaluated: 2025-09-08. Review status: criteria provided, single submitter. Criteria: Ambry Variant Classification Scheme 2023. Collection method: clinical testing. Allele origin: germline.
Comment: The p.A232D variant (also known as c.695C>A), located in coding exon 7 of the SDHB gene, results from a C to A substitution at nucleotide position 695. The alanine at codon 232 is replaced by aspartic acid, an amino acid with dissimilar properties. This amino acid position is not well conserved in available vertebrate species. In addition, this alteration is predicted to be deleterious by in silico analysis. Based on the available evidence, the clinical significance of this variant remains unclear.